The following is an entry in ClinVar:

ClinVar aggregate classification (germline): Uncertain significance. Review status: criteria provided, multiple submitters, no conflicts (2 of 4 stars). 5 submissions from 5 submitters: Uncertain significance (5). Last evaluated 2025-10-02.

Conditions:
Hypertrophic cardiomyopathy 1 (CMH1). Also called: MYH7-Related Familial Hypertrophic Cardiomyopathy; Familial hypertrophic cardiomyopathy 1. Identifiers: MedGen C3495498, MONDO:0008647, OMIM 192600.
Long QT syndrome 9 (LQT9). Identifiers: Orphanet 101016, Orphanet 768, MedGen C2678485, MONDO:0012736, OMIM 611818.
Elevated circulating creatine kinase activity. Also called: Elevated creatine kinase; Elevated serum creatine phosphokinase; Elevated circulating creatine kinase concentration. Identifiers: MedGen C0241005, HP:0003236.
Distal myopathy, Tateyama type (MPDT). Also called: CAV3-Related Distal Myopathy. Identifiers: Orphanet 488650, MedGen C3280443, MONDO:0013686, OMIM 614321.
Rippling muscle disease 2 (RMD2). Also called: Limb-girdle muscular dystrophy, type 1C; CAV3-Related Rippling Muscle Disease. Identifiers: Orphanet 265, MedGen C1832560, MONDO:0019947, OMIM 606072.
Cardiovascular phenotype. Identifiers: MedGen CN230736.
Cardiomyopathy (CMYO). Also called: Cardiomyopathies. Identifiers: Orphanet 167848, MedGen C0878544, MONDO:0004994, HP:0001638. Inheritance: Various modes of inheritance.
Long QT syndrome (LQTS). Identifiers: MedGen C0023976, MeSH D008133, MONDO:0002442. Disease mechanism: loss of function. Inheritance: Various modes of inheritance.

Allele frequency attached by ClinVar (database versions not stated): gnomAD 0.00002 and 0.00003; TOPMed 0.00002; 1000 Genomes Project 30x 0.00016; 1000 Genomes Project 0.00020.
gnomAD v4.1: 15 of 1,613,808 alleles (0.00093%); highest among the groups gnomAD compares: African/African-American, 0.0013%; no homozygotes.

Submissions (5):

Labcorp Genetics (formerly Invitae), Labcorp
Classification: Uncertain significance for Long QT syndrome. Last evaluated: 2025-10-02. Review status: criteria provided, single submitter. Criteria: Invitae Variant Classification Sherloc (09022015). Collection method: clinical testing. Allele origin: germline.
Comment: This sequence change replaces alanine, which is neutral and non-polar, with valine, which is neutral and non-polar, at codon 134 of the CAV3 protein (p.Ala134Val). This variant is present in population databases (rs201267913, gnomAD 0.004%). This variant has not been reported in the literature in individuals affected with CAV3-related conditions. ClinVar contains an entry for this variant (Variation ID: 279736). An algorithm developed to predict the effect of missense changes on protein structure and function (PolyPhen-2) suggests that this variant is likely to be tolerated. In summary, the available evidence is currently insufficient to determine the role of this variant in disease. Therefore, it has been classified as a Variant of Uncertain Significance.

Ambry Genetics
Classification: Uncertain significance for Cardiovascular phenotype. Last evaluated: 2025-07-11. Review status: criteria provided, single submitter. Criteria: Ambry Variant Classification Scheme 2023. Collection method: clinical testing. Allele origin: germline.
Comment: The p.A134V variant (also known as c.401C>T), located in coding exon 2 of the CAV3 gene, results from a C to T substitution at nucleotide position 401. The alanine at codon 134 is replaced by valine, an amino acid with similar properties. This amino acid position is conserved. In addition, the in silico prediction for this alteration is inconclusive. Since supporting evidence is limited at this time, the clinical significance of this alteration remains unclear.

GeneDx
Classification: Uncertain significance. Last evaluated: 2024-08-14. Review status: criteria provided, single submitter. Criteria: GeneDx Variant Classification Process June 2021. Collection method: clinical testing. Allele origin: germline. Affected: yes.
Comment: Has not been previously published as pathogenic or benign in association with a CAV3-related disorder to our knowledge; Not observed at significant frequency in large population cohorts (gnomAD); In silico analysis indicates that this missense variant does not alter protein structure/function

Fulgent Genetics
Classification: Uncertain significance for Creatine phosphokinase, elevated serum; Hypertrophic cardiomyopathy 1; Rippling muscle disease 2; Long QT syndrome 9; Distal myopathy, Tateyama type. Last evaluated: 2021-09-20. Review status: criteria provided, single submitter. Criteria: ACMG Guidelines, 2015. Collection method: clinical testing. Allele origin: unknown.

CHEO Genetics Diagnostic Laboratory, Children's Hospital of Eastern Ontario
Classification: Uncertain significance for Cardiomyopathy. Last evaluated: 2019-09-24. Review status: criteria provided, single submitter. Criteria: ACMG Guidelines, 2015. Collection method: clinical testing. Allele origin: germline.

NM_033337.3(CAV3):c.401C>T (p.Ala134Val)

Genes: CAV3 (caveolin 3; plus strand), OXTR (oxytocin receptor; minus strand). Cytogenetic location: 3p25.3.
Variant type: single nucleotide variant.
Coding change: c.401C>T on transcript NM_033337.3 (MANE Select); coding-DNA position 401, C replaced by T.
Protein change: p.Ala134Val; replaces alanine 134 with valine.
Molecular consequence: missense variant.
Genome position (GRCh38, 1-based): chr3:8,745,812, C>T. VCF-style: chr3-8745812-C-T. GRCh37 (hg19) VCF-style: chr3-8787498-C-T.
Other names: c.401C>T, p.Ala134Val (NM_001234.5); short protein forms A134V.
Identifiers: ClinVar variation 279736 (VCV000279736.17), dbSNP rs201267913, ClinGen allele CA2236364.